The following is an entry in ClinVar:

ClinVar aggregate classification (germline): Uncertain significance. Review status: criteria provided, multiple submitters, no conflicts (2 of 4 stars). 2 submissions from 2 submitters: Uncertain significance (2). Last evaluated 2025-07-24.

Allele frequency attached by ClinVar (database versions not stated): gnomAD exomes 0.00001; gnomAD 0.00002; TOPMed 0.00002.
gnomAD v4.1: 19 of 1,590,582 alleles (0.0012%); highest among the groups gnomAD compares: Non-Finnish European, 0.0014%; no homozygotes.

Submissions (2):

Women's Health and Genetics/Laboratory Corporation of America, LabCorp
Classification: Uncertain significance. Last evaluated: 2025-07-24. Review status: criteria provided, single submitter. Criteria: LabCorp Variant Classification Summary - May 2015. Collection method: clinical testing. Allele origin: germline.
Comment: Variant summary: ACVRL1 c.196C>T (p.His66Tyr) results in a conservative amino acid change in the encoded protein sequence. Algorithms developed to predict the effect of missense changes on protein structure and function all suggest that this variant is likely to be tolerated. The frequency data for this variant in gnomAD is considered unreliable, as metrics indicate poor data quality at this position. c.196C>T has been observed in at least one individual affected with Hereditary Hemorrhagic Telangiectasia (e.g. Alaa El Din_2015). These data do not allow any conclusion about variant significance. One publication reports experimental evidence evaluating an impact on protein function, showing the variant may affect ligand binding, however, does not allow convincing conclusions about the variant effect (e.g. Alaa El Din_2015). The following publication has been ascertained in the context of this evaluation (PMID: 26176610). ClinVar contains an entry for this variant (Variation ID: 1216408). Based on the evidence outlined above, the variant was classified as uncertain significance.

GeneDx
Classification: Uncertain significance. Last evaluated: 2021-01-14. Review status: criteria provided, single submitter. Criteria: GeneDx Variant Classification Process June 2021. Collection method: clinical testing. Allele origin: germline. Affected: yes.
Comment: In silico analysis supports that this missense variant does not alter protein structure/function; This variant is associated with the following publications: (PMID: 26176610)

Literature cited by the submitters: PubMed 26176610 (cited by Women's Health and Genetics/Laboratory Corporation of America, LabCorp).

NM_000020.3(ACVRL1):c.196C>T (p.His66Tyr)

Gene: ACVRL1 (activin A receptor like type 1; plus strand). Cytogenetic location: 12q13.13.
Variant type: single nucleotide variant.
Coding change: c.196C>T on transcript NM_000020.3 (MANE Select); coding-DNA position 196, C replaced by T.
Protein change: p.His66Tyr; replaces histidine 66 with tyrosine.
Molecular consequence: missense variant.
Genome position (GRCh38, 1-based): chr12:51,913,233, C>T. VCF-style: chr12-51913233-C-T. GRCh37 (hg19) VCF-style: chr12-52307017-C-T.
Other names: c.196C>T, p.His66Tyr (NM_001077401.2); short protein forms H66Y.
Identifiers: ClinVar variation 1216408 (VCV001216408.4), dbSNP rs1480110873, ClinGen allele CA384897879.